The following is an entry in ClinVar:

ClinVar aggregate classification (germline): Uncertain significance (1 of 4 stars; one submission).

Conditions:
TNIK-related disorder. Also called: TNIK-related condition.

Allele frequency attached by ClinVar (database versions not stated): TOPMed below 0.00001; gnomAD 0.00001; gnomAD exomes 0.00001; ExAC 0.00002.
gnomAD v4.1: 16 of 1,613,584 alleles (0.00099%); highest among the groups gnomAD compares: Middle Eastern, 0.016%; no homozygotes.

Submission:

PreventionGenetics, part of Exact Sciences
Classification: Uncertain significance for TNIK-related condition. Last evaluated: 2023-05-23. Review status: criteria provided, single submitter. Criteria: ACMG Guidelines, 2015. Collection method: clinical testing. Allele origin: germline.
Comment: The TNIK c.3809G>A variant is predicted to result in the amino acid substitution p.Arg1270Gln. To our knowledge, this variant has not been reported in the literature. This variant is reported in 0.0083% of alleles in individuals of African descent in gnomAD. At this time, the clinical significance of this variant is uncertain due to the absence of conclusive functional and genetic evidence.

NM_015028.4(TNIK):c.3809G>A (p.Arg1270Gln)

Gene: TNIK (TRAF2 and NCK interacting kinase; minus strand). Cytogenetic location: 3q26.2.
Variant type: single nucleotide variant.
Coding change: c.3809G>A on transcript NM_015028.4 (MANE Select); coding-DNA position 3809, G replaced by A.
Protein change: p.Arg1270Gln; replaces arginine 1270 with glutamine.
Molecular consequence: missense variant.
Genome position (GRCh38, 1-based): chr3:171,066,626, C>T on the plus strand (G>A on the coding strand, the complement: TNIK is on the minus strand). VCF-style: chr3-171066626-C-T. GRCh37 (hg19) VCF-style: chr3-170784415-C-T.
Other names: c.3785G>A, p.Arg1262Gln (NM_001161560.3); c.3722G>A, p.Arg1241Gln (NM_001161561.3); c.3698G>A, p.Arg1233Gln (NM_001161562.3); c.3644G>A, p.Arg1215Gln (NM_001161563.3); c.3620G>A, p.Arg1207Gln (NM_001161564.3); c.3557G>A, p.Arg1186Gln (NM_001161565.3); c.3533G>A, p.Arg1178Gln (NM_001161566.3); short protein forms R1178Q, R1186Q, R1207Q, R1215Q, R1233Q, R1241Q, R1262Q, R1270Q.
Identifiers: ClinVar variation 2633049 (VCV002633049.1), dbSNP rs764331012, ClinGen allele CA2702876.
Genomic context (GRCh38, chr3:171,066,626, plus strand): 5'-GTTAACCTACCCACAGACGTGGGCATTTCTCCCCATTGGAGCACCACATCCTTAGTTATC[C>T]GGCCATAGGTGTTTACATACACCCCCTCATCCTCATAGCAAACAAGCATTTCCATTCCAT-3'
Protein context (NP_055843.1, residues 1260-1280): DEGVYVNTYG[Arg1270Gln]ITKDVVLQWG